The following is an entry in ClinVar:

NM_014809.4(KIAA0319):c.1361T>C (p.Ile454Thr)

Gene: KIAA0319 (KIAA0319; minus strand). Cytogenetic location: 6p22.3.
Variant type: single nucleotide variant.
Coding change: c.1361T>C on transcript NM_014809.4 (MANE Select); coding-DNA position 1361, T replaced by C.
Protein change: p.Ile454Thr; replaces isoleucine 454 with threonine.
Molecular consequence: missense variant. On other transcripts: 5 prime UTR variant (1).
Genome position (GRCh38, 1-based): chr6:24,579,869, A>G on the plus strand (T>C on the coding strand, the complement: KIAA0319 is on the minus strand). VCF-style: chr6-24579869-A-G. GRCh37 (hg19) VCF-style: chr6-24580097-A-G.
Other names: c.1334T>C, p.Ile445Thr (NM_001168374.2); c.1361T>C, p.Ile454Thr (NM_001168375.2, NM_001168377.2, NM_001350403.2 and 2 more transcripts); c.1226T>C, p.Ile409Thr (NM_001168376.2, NM_001350406.2); c.-368T>C (NM_001252328.2); c.1343T>C, p.Ile448Thr (NM_001350404.2); c.1262T>C, p.Ile421Thr (NM_001350405.2); c.905T>C, p.Ile302Thr (NM_001350409.2, NM_001350410.2); short protein forms I421T, I448T, I302T, I409T, I445T, I454T.
Identifiers: ClinVar variation 784066 (VCV000784066.5), dbSNP rs114195393, ClinGen allele CA3657543.

ClinVar aggregate classification (germline): Benign. Review status: criteria provided, single submitter (1 of 4 stars). 2 submissions from 2 submitters: Benign (1). 1 of the submissions does not count toward it. Last evaluated 2018-05-07.

Conditions:
KIAA0319-related disorder. Also called: KIAA0319-related condition.

Allele frequency attached by ClinVar (database versions not stated): gnomAD exomes 0.00031 and 0.00068; ExAC 0.00123; 1000 Genomes Project 0.00240; 1000 Genomes Project 30x 0.00250; gnomAD 0.00252 and 0.00273; ESP Exome Variant Server 0.00285; TOPMed 0.00308.
gnomAD v4.1: 854 of 1,602,210 alleles (0.053%); highest among the groups gnomAD compares: African/African-American, 0.86%; 2 homozygotes.

Submissions (2):

Labcorp Genetics (formerly Invitae), Labcorp
Classification: Benign. Last evaluated: 2018-05-07. Review status: criteria provided, single submitter. Criteria: Invitae Variant Classification Sherloc (09022015). Collection method: clinical testing. Allele origin: germline.

PreventionGenetics, part of Exact Sciences
Classification: Likely benign for KIAA0319-related condition. Last evaluated: 2019-02-22. Review status: no assertion criteria provided. Collection method: clinical testing. Allele origin: germline. Not counted in ClinVar's aggregate classification.
Comment: This variant is classified as likely benign based on ACMG/AMP sequence variant interpretation guidelines (Richards et al. 2015 PMID: 25741868, with internal and published modifications).